The following is an entry in ClinVar:

ClinVar aggregate classification (germline): Uncertain significance. Review status: criteria provided, multiple submitters, no conflicts (2 of 4 stars). 2 submissions from 2 submitters: Uncertain significance (2). Last evaluated 2025-12-02.

Conditions:
Nephronophthisis. Also called: Juvenile Nephronophthisis. Identifiers: Orphanet 655, MedGen C0687120, MONDO:0019005, HP:0000090.
Inborn genetic diseases. Identifiers: MedGen C0950123, MeSH D030342.

Allele frequency attached by ClinVar (database versions not stated): ExAC 0.00001.
gnomAD v4.1: 2 of 1,613,596 alleles (0.00012%); highest among the groups gnomAD compares: Non-Finnish European, 0.00017%; no homozygotes.

Submissions (2):

Ambry Genetics
Classification: Uncertain significance for Inborn genetic diseases. Last evaluated: 2025-12-02. Review status: criteria provided, single submitter. Criteria: Ambry Variant Classification Scheme 2023. Collection method: clinical testing. Allele origin: germline.

Labcorp Genetics (formerly Invitae), Labcorp
Classification: Uncertain significance for Nephronophthisis. Last evaluated: 2022-11-22. Review status: criteria provided, single submitter. Criteria: Invitae Variant Classification Sherloc (09022015). Collection method: clinical testing. Allele origin: germline.
Comment: In summary, the available evidence is currently insufficient to determine the role of this variant in disease. Therefore, it has been classified as a Variant of Uncertain Significance. Advanced modeling of protein sequence and biophysical properties (such as structural, functional, and spatial information, amino acid conservation, physicochemical variation, residue mobility, and thermodynamic stability) performed at Invitae indicates that this missense variant is not expected to disrupt IQCB1 protein function. This variant has not been reported in the literature in individuals affected with IQCB1-related conditions. This variant is present in population databases (rs749390920, gnomAD 0.002%). This sequence change replaces arginine, which is basic and polar, with glycine, which is neutral and non-polar, at codon 467 of the IQCB1 protein (p.Arg467Gly).

NM_001023570.4(IQCB1):c.1399A>G (p.Arg467Gly)

Gene: IQCB1 (IQ motif containing B1; minus strand). Cytogenetic location: 3q13.33.
Variant type: single nucleotide variant.
Coding change: c.1399A>G on transcript NM_001023570.4 (MANE Select); coding-DNA position 1399, A replaced by G.
Protein change: p.Arg467Gly; replaces arginine 467 with glycine.
Molecular consequence: missense variant. On other transcripts: non-coding transcript variant (1).
Genome position (GRCh38, 1-based): chr3:121,781,754, T>C on the plus strand (A>G on the coding strand, the complement: IQCB1 is on the minus strand). VCF-style: chr3-121781754-T-C. GRCh37 (hg19) VCF-style: chr3-121500601-T-C.
Other names: c.1399A>G (NM_001023570.2); c.1000A>G, p.Arg334Gly (NM_001023571.4); c.1399A>G, p.Arg467Gly (NM_001319107.2); short protein forms R334G, R467G.
Identifiers: ClinVar variation 2084117 (VCV002084117.5), dbSNP rs749390920, ClinGen allele CA2567110.